The following is an entry in ClinVar:

ClinVar aggregate classification (germline): Uncertain significance (1 of 4 stars; one submission).

Submission:

Labcorp Genetics (formerly Invitae), Labcorp
Classification: Uncertain significance. Last evaluated: 2022-10-05. Review status: criteria provided, single submitter. Criteria: Invitae Variant Classification Sherloc (09022015). Collection method: clinical testing. Allele origin: germline.
Comment: This variant, c.229_231del, results in the deletion of 1 amino acid(s) of the PLA2G5 protein (p.Lys77del), but otherwise preserves the integrity of the reading frame. This variant is not present in population databases (gnomAD no frequency). This variant has not been reported in the literature in individuals affected with PLA2G5-related conditions. ClinVar contains an entry for this variant (Variation ID: 1485540). Experimental studies and prediction algorithms are not available or were not evaluated, and the functional significance of this variant is currently unknown. In summary, the available evidence is currently insufficient to determine the role of this variant in disease. Therefore, it has been classified as a Variant of Uncertain Significance.

NM_000929.3(PLA2G5):c.229_231del (p.Lys77del)

Gene: PLA2G5 (phospholipase A2 group V; plus strand). Cytogenetic location: 1p36.13.
Variant type: Deletion.
Coding change: c.229_231del on transcript NM_000929.3 (MANE Select); coding-DNA positions 229 to 231, 3 bases deleted (AAG; older notation c.229_231delAAG).
Protein change: p.Lys77del; deletes lysine 77.
Molecular consequence: inframe deletion.
Genome position (GRCh38, 1-based): chr1:20,089,832-20,089,834, AAG deleted; deleting any 3 consecutive bases within chr1:20,089,830-20,089,834 gives the same sequence; the c. name uses the placement nearest the transcript's 3' end. VCF-style (leftmost placement, unchanged base first): chr1-20089829-GAGA-G. GRCh37 (hg19) VCF-style: chr1-20416322-GAGA-G.
Other names: short protein forms K77del.
Identifiers: ClinVar variation 1485540 (VCV001485540.6), dbSNP rs2100647728, ClinGen allele CA2573130915.
Genomic context (GRCh38, chr1:20,089,829, plus strand): 5'-TAAGTCTCTTGCACGGACAGGTGCTGTTGGGCGCATGACCACTGCTATGGGCGGCTGGAG[GAGA>G]AGGGCTGCAACATTCGCACACAGTCCTACAAATACAGATTCGCGTGGGGCGTGGTCACCT-3'